The following is an entry in ClinVar:

NM_014804.3(KIAA0753):c.2752G>A (p.Val918Ile)

Gene: KIAA0753 (KIAA0753; minus strand). Cytogenetic location: 17p13.1.
Variant type: single nucleotide variant.
Coding change: c.2752G>A on transcript NM_014804.3 (MANE Select); coding-DNA position 2752, G replaced by A.
Protein change: p.Val918Ile; replaces valine 918 with isoleucine.
Molecular consequence: missense variant. On other transcripts: non-coding transcript variant (3).
Genome position (GRCh38, 1-based): chr17:6,589,813, C>T on the plus strand (G>A on the coding strand, the complement: KIAA0753 is on the minus strand). VCF-style: chr17-6589813-C-T. GRCh37 (hg19) VCF-style: chr17-6493133-C-T.
Other names: c.1855G>A, p.Val619Ile (NM_001351225.2); short protein forms V619I, V918I.
Identifiers: ClinVar variation 1909423 (VCV001909423.8), dbSNP rs550842668, ClinGen allele CA8330062.

ClinVar aggregate classification (germline): Conflicting classifications of pathogenicity. Review status: criteria provided, conflicting classifications (1 of 4 stars). 3 submissions from 3 submitters: Uncertain significance (2); Likely benign (1). Last evaluated 2025-05-30.

Conditions:
Inborn genetic diseases. Identifiers: MedGen C0950123, MeSH D030342.

Allele frequency attached by ClinVar (database versions not stated): gnomAD 0.00001; gnomAD exomes 0.00001; ExAC 0.00002; 1000 Genomes Project 30x 0.00016; 1000 Genomes Project 0.00020.
gnomAD v4.1: 23 of 1,613,612 alleles (0.0014%); highest among the groups gnomAD compares: South Asian, 0.02%; no homozygotes.

Submissions (3):

Ambry Genetics
Classification: Uncertain significance for Inborn genetic diseases. Last evaluated: 2025-05-30. Review status: criteria provided, single submitter. Criteria: Ambry Variant Classification Scheme 2023. Collection method: clinical testing. Allele origin: germline.

Labcorp Genetics (formerly Invitae), Labcorp
Classification: Uncertain significance. Last evaluated: 2024-11-18. Review status: criteria provided, single submitter. Criteria: Invitae Variant Classification Sherloc (09022015). Collection method: clinical testing. Allele origin: germline.
Comment: This sequence change replaces valine, which is neutral and non-polar, with isoleucine, which is neutral and non-polar, at codon 918 of the KIAA0753 protein (p.Val918Ile). This variant is present in population databases (rs550842668, gnomAD 0.01%). This variant has not been reported in the literature in individuals affected with KIAA0753-related conditions. ClinVar contains an entry for this variant (Variation ID: 1909423). An algorithm developed to predict the effect of missense changes on protein structure and function outputs the following: PolyPhen-2: "Benign". The isoleucine amino acid residue is found in multiple mammalian species, which suggests that this missense change does not adversely affect protein function. In summary, the available evidence is currently insufficient to determine the role of this variant in disease. Therefore, it has been classified as a Variant of Uncertain Significance.

Blueprint Genetics
Classification: Likely benign. Last evaluated: 2024-09-03. Review status: criteria provided, single submitter. Criteria: ACMG Guidelines, 2015. Collection method: clinical testing. Allele origin: germline.